The following is an entry in ClinVar:

NM_024496.4(IRF2BPL):c.349C>T (p.Gln117Ter)

Gene: IRF2BPL (interferon regulatory factor 2 binding protein like; minus strand). Cytogenetic location: 14q24.3.
Variant type: single nucleotide variant.
Coding change: c.349C>T on transcript NM_024496.4 (MANE Select); coding-DNA position 349, C replaced by T.
Protein change: p.Gln117Ter; replaces glutamine 117 with a stop codon.
Molecular consequence: nonsense.
Genome position (GRCh38, 1-based): chr14:77,027,444, G>A on the plus strand (C>T on the coding strand, the complement: IRF2BPL is on the minus strand). VCF-style: chr14-77027444-G-A. GRCh37 (hg19) VCF-style: chr14-77493787-G-A.
Other names: c.349C>T (NM_024496.3); short protein forms Q117*.
Identifiers: ClinVar variation 1701241 (VCV001701241.33), dbSNP rs1160246842, ClinGen allele CA390499769.
Genomic context (GRCh38, chr14:77,027,444, plus strand): 5'-GCTTGCTGGAACCATCAACGTGGTTGAGCTGTTGTTGCTGCTGCTGCTGCTGCTGCTGCT[G>A]CTGCTGTTGCTGCTGCTGCTGCTGCTGTTGCTGTTGCTGTTGCGCGGCGGCGGCGGCGGC-3'

ClinVar aggregate classification (germline): Likely pathogenic. Review status: criteria provided, multiple submitters, no conflicts (2 of 4 stars). 3 submissions from 3 submitters: Likely pathogenic (3). Last evaluated 2023-05-10.

Conditions:
Neurodevelopmental disorder with regression, abnormal movements, loss of speech, and seizures. Identifiers: Orphanet 597623, MedGen C4748127, MONDO:0060759, OMIM 618088.

Submissions (3):

GeneDx
Classification: Likely pathogenic. Last evaluated: 2023-05-10. Review status: criteria provided, single submitter. Criteria: GeneDx Variant Classification Process June 2021. Collection method: clinical testing. Allele origin: germline. Affected: yes.
Comment: Nonsense variant predicted to result in protein truncation, as the last 680 amino acids are lost, and other loss-of-function variants have been reported downstream in HGMD; Not observed at significant frequency in large population cohorts (gnomAD); Has not been previously published as pathogenic or benign to our knowledge

Institute of Human Genetics, University of Leipzig Medical Center
Classification: Likely pathogenic for Neurodevelopmental disorder with regression, abnormal movements, loss of speech, and seizures. Last evaluated: 2023-03-03. Review status: criteria provided, single submitter. Criteria: ACMG Guidelines, 2015. Collection method: clinical testing. Allele origin: unknown. Affected: yes.
Comment: _x000D_ Criteria applied: PVS1_STR, PS4_SUP, PM2_SUP

CeGaT Center for Human Genetics Tuebingen
Classification: Likely pathogenic. Last evaluated: 2022-07-01. Review status: criteria provided, single submitter. Criteria: CeGaT Center For Human Genetics Tuebingen Variant Classification Criteria Version 2. Collection method: clinical testing. Allele origin: germline. Affected: yes. Observed: 1 variant allele.
Comment: IRF2BPL: PVS1:Strong, PM2